The following is an entry in ClinVar:

ClinVar aggregate classification (germline): Uncertain significance (1 of 4 stars; one submission).

Conditions:
Myoclonic dystonia 26. Identifiers: MedGen C4225341, MONDO:0014620, OMIM 616398.

Submission:

Labcorp Genetics (formerly Invitae), Labcorp
Classification: Uncertain significance for Myoclonic dystonia 26. Last evaluated: 2022-09-27. Review status: criteria provided, single submitter. Criteria: Invitae Variant Classification Sherloc (09022015). Collection method: clinical testing. Allele origin: germline.
Comment: In summary, the available evidence is currently insufficient to determine the role of this variant in disease. Therefore, it has been classified as a Variant of Uncertain Significance. Advanced modeling of protein sequence and biophysical properties (such as structural, functional, and spatial information, amino acid conservation, physicochemical variation, residue mobility, and thermodynamic stability) performed at Invitae indicates that this missense variant is not expected to disrupt KCTD17 protein function. This variant has not been reported in the literature in individuals affected with KCTD17-related conditions. This variant is not present in population databases (gnomAD no frequency). This sequence change replaces alanine, which is neutral and non-polar, with threonine, which is neutral and polar, at codon 75 of the KCTD17 protein (p.Ala75Thr).

NM_001282684.2(KCTD17):c.202G>A (p.Ala68Thr)

Gene: KCTD17 (potassium channel tetramerization domain containing 17; plus strand). Cytogenetic location: 22q12.3.
Variant type: single nucleotide variant.
Coding change: c.202G>A on transcript NM_001282684.2 (MANE Select); coding-DNA position 202, G replaced by A.
Protein change: p.Ala68Thr; replaces alanine 68 with threonine.
Molecular consequence: missense variant.
Genome position (GRCh38, 1-based): chr22:37,053,112, G>A. VCF-style: chr22-37053112-G-A. GRCh37 (hg19) VCF-style: chr22-37449152-G-A.
Other names: c.202G>A, p.Ala68Thr (NM_001282685.2, NM_001282686.2, NM_024681.4); short protein forms A68T.
Identifiers: ClinVar variation 2164685 (VCV002164685.4), dbSNP rs1347514855, ClinGen allele CA411413298.